The following is an entry in ClinVar:

ClinVar aggregate classification (germline): Pathogenic. Review status: criteria provided, multiple submitters, no conflicts (2 of 4 stars). 3 submissions from 3 submitters: Pathogenic (3). Last evaluated 2025-10-31.

Conditions:
OBSL1-related disorder. Also called: OBSL1-related condition.
3M syndrome 2. Also called: 3-M Syndrome, OBSL1-Related; THREE M SYNDROME 2. Identifiers: Orphanet 2616, MedGen C2752041, MONDO:0013039, OMIM 612921.

Submissions (3):

PreventionGenetics, part of Exact Sciences
Classification: Pathogenic for OBSL1-related condition. Last evaluated: 2025-10-31. Review status: criteria provided, single submitter. Criteria: ACMG Guidelines, 2015. Collection method: clinical testing. Allele origin: germline.
Comment: The OBSL1 c.458dupG variant is predicted to result in a frameshift and premature protein termination (p.Leu154Profs*100). This variant has been reported in the homozygous state or heterozygous state with a second OBSL1 variant in individuals with 3-M syndrome (Hu et al. 2017. PubMed ID: 28969986; Yang et al. 2021. PubMed ID: 33728303). This variant is reported in 0.068% of alleles in individuals of East Asian descent in gnomAD. Frameshift variants in OBSL1 are expected to be pathogenic. This variant is interpreted as pathogenic.

Labcorp Genetics (formerly Invitae), Labcorp
Classification: Pathogenic. Last evaluated: 2025-02-25. Review status: criteria provided, single submitter. Criteria: Invitae Variant Classification Sherloc (09022015). Collection method: clinical testing. Allele origin: germline.
Comment: This sequence change creates a premature translational stop signal (p.Leu154Profs*100) in the OBSL1 gene. It is expected to result in an absent or disrupted protein product. Loss-of-function variants in OBSL1 are known to be pathogenic (PMID: 19481195, 19877176). The frequency data for this variant in the population databases is considered unreliable, as metrics indicate poor data quality at this position in the gnomAD database. This premature translational stop signal has been observed in individual(s) with 3-M syndrome (PMID: 28969986). ClinVar contains an entry for this variant (Variation ID: 1333217). For these reasons, this variant has been classified as Pathogenic.

3billion
Classification: Pathogenic for 3M syndrome 2. Last evaluated: 2022-01-03. Review status: criteria provided, single submitter. Criteria: ACMG Guidelines, 2015. Collection method: clinical testing. Allele origin: germline. Affected: yes. Observed: 1 homozygote.
Comment: Frameshift: predicted to result in a loss or disruption of normal protein function through nonsense-mediated decay (NMD) or protein truncation. Multiple pathogenic variants are reported downstream of the variant (PVS1_VS). The variant has been reported to be associated with OBSL1 related disorder (PMID:28969986, 3billion dataset).It is observed at an extremely low frequency in the gnomAD v2.1.1 dataset (total allele frequency: 0.000047, PM2_M). Therefore, this variant is classified as pathogenic according to the recommendation of ACMG/AMP guideline.

Literature cited by the submitters: PubMed 19481195 (cited by Labcorp Genetics (formerly Invitae), Labcorp); PubMed 19877176 (cited by Labcorp Genetics (formerly Invitae), Labcorp); PubMed 28969986 (cited by Labcorp Genetics (formerly Invitae), Labcorp and 3billion).

NM_015311.3(OBSL1):c.458dup (p.Leu154fs)

Gene: OBSL1 (obscurin like cytoskeletal adaptor 1; minus strand). Cytogenetic location: 2q35.
Variant type: Duplication.
Coding change: c.458dup on transcript NM_015311.3 (MANE Select); coding-DNA position 458, one base duplicated (G; older notation c.458dupG).
Protein change: p.Leu154fs; shifts the reading frame from leucine 154.
Molecular consequence: frameshift variant.
Genome position (GRCh38, 1-based): chr2:219,570,775, C duplicated on the plus strand (G on the coding strand, the reverse complement: OBSL1 is on the minus strand); the first of 6 consecutive C bases (chr2:219,570,775-219,570,780); duplicating any one gives the same sequence. VCF-style (leftmost placement, unchanged base first): chr2-219570774-G-GC. GRCh37 (hg19) VCF-style: chr2-220435496-G-GC.
Other names: c.458dupG (NM_015311.2); c.458dup, p.Leu154fs (NM_001173408.2, NM_001173431.2); short protein forms L154fs.
Identifiers: ClinVar variation 1333217 (VCV001333217.9), dbSNP rs767237510, ClinGen allele CA2131795.